The following is an entry in ClinVar:

ClinVar aggregate classification (germline): Likely pathogenic. Review status: criteria provided, multiple submitters, no conflicts (2 of 4 stars). 2 submissions from 2 submitters: Likely pathogenic (2). Last evaluated 2024-06-30.

Conditions:
Congenital myasthenic syndrome 10. Also called: Myasthenia, limb-girdle, familial. Identifiers: Orphanet 590, MedGen C1850792, MONDO:0009690, OMIM 254300.
Fetal akinesia deformation sequence 1 (FADS1). Also called: Pena-Shokeir syndrome type I; Fetal akinesia sequence. Identifiers: Orphanet 994, MedGen C1276035, MONDO:0100101, OMIM 208150, HP:0001989.
Fetal akinesia deformation sequence 3. Identifiers: MedGen C4760599, MONDO:0100103, OMIM 618389.

Submissions (2):

Labcorp Genetics (formerly Invitae), Labcorp
Classification: Likely pathogenic for Congenital myasthenic syndrome 10; Fetal akinesia deformation sequence 1. Last evaluated: 2024-06-30. Review status: criteria provided, single submitter. Criteria: Invitae Variant Classification Sherloc (09022015). Collection method: clinical testing. Allele origin: germline.
Comment: This sequence change affects an acceptor splice site in intron 3 of the DOK7 gene. It is expected to disrupt RNA splicing. Variants that disrupt the donor or acceptor splice site typically lead to a loss of protein function (PMID: 16199547), and loss-of-function variants in DOK7 are known to be pathogenic (PMID: 16794080, 16917026, 18626973, 19261599). This variant is not present in population databases (gnomAD no frequency). This variant has not been reported in the literature in individuals affected with DOK7-related conditions. ClinVar contains an entry for this variant (Variation ID: 1345464). Algorithms developed to predict the effect of sequence changes on RNA splicing suggest that this variant may disrupt the consensus splice site. In summary, the currently available evidence indicates that the variant is pathogenic, but additional data are needed to prove that conclusively. Therefore, this variant has been classified as Likely Pathogenic.

Baylor Genetics
Classification: Likely pathogenic for Fetal akinesia deformation sequence 3. Last evaluated: 2023-06-21. Review status: criteria provided, single submitter. Criteria: ACMG Guidelines, 2015. Collection method: clinical testing. Allele origin: unknown.

Literature cited by the submitters: PubMed 16199547 (cited by Labcorp Genetics (formerly Invitae), Labcorp); PubMed 16794080 (cited by Labcorp Genetics (formerly Invitae), Labcorp); PubMed 16917026 (cited by Labcorp Genetics (formerly Invitae), Labcorp); PubMed 18626973 (cited by Labcorp Genetics (formerly Invitae), Labcorp); PubMed 19261599 (cited by Labcorp Genetics (formerly Invitae), Labcorp).

NM_173660.5(DOK7):c.332-1G>A

Gene: DOK7 (docking protein 7; plus strand). Cytogenetic location: 4p16.3.
Variant type: single nucleotide variant.
Coding change: c.332-1G>A on transcript NM_173660.5 (MANE Select); the canonical splice acceptor site of the intron before coding-DNA position 332, G replaced by A.
Molecular consequence: splice acceptor variant. On other transcripts: intron variant (1).
Genome position (GRCh38, 1-based): chr4:3,476,341, G>A. VCF-style: chr4-3476341-G-A. GRCh37 (hg19) VCF-style: chr4-3478068-G-A.
Other names: c.332-1G>A (NM_001301071.2, NM_001164673.2); c.101-9198G>A (NM_001363811.2).
Identifiers: ClinVar variation 1345464 (VCV001345464.9), dbSNP rs1490214819, ClinGen allele CA356114061.